The following is an entry in ClinVar:

ClinVar aggregate classification (germline): Pathogenic (1 of 4 stars; one submission).

Conditions:
Marfan syndrome (MFS). Also called: Marfan syndrome type 1; Marfan's syndrome; FBN1-Related Marfan Syndrome; MARFAN SYNDROME, TYPE I; Marfan syndrome, classic. Identifiers: Orphanet 284963, Orphanet 558, MedGen C0024796, MONDO:0007947, OMIM 154700.

Submission:

Centre of Medical Genetics, University of Antwerp
Classification: Pathogenic for Marfan syndrome. Last evaluated: 2021-03-01. Review status: criteria provided, single submitter. Criteria: Submitter's publication. Collection method: research. Allele origin: unknown. Affected: yes. Observed: 3 variant alleles.
Comment: PM2, PVS1, PP1-M, PP4

NM_000138.5(FBN1):c.3228_3232dup (p.Pro1078fs)

Gene: FBN1 (fibrillin 1; minus strand). Cytogenetic location: 15q21.1.
Variant type: Duplication.
Coding change: c.3228_3232dup on transcript NM_000138.5 (MANE Select); coding-DNA positions 3228 to 3232, 5 bases duplicated (ATCTC; older notation c.3228_3232dupATCTC).
Protein change: p.Pro1078fs; shifts the reading frame from proline 1078.
Molecular consequence: frameshift variant.
Genome position (GRCh38, 1-based): chr15:48,488,218-48,488,222, GAGAT duplicated on the plus strand (ATCTC on the coding strand, the reverse complement: FBN1 is on the minus strand). VCF-style (leftmost placement, unchanged base first): chr15-48488217-G-GGAGAT. GRCh37 (hg19) VCF-style: chr15-48780414-G-GGAGAT.
Other names: c.3228_3232dup, p.Pro1078fs (NM_001406716.1); short protein forms P1078fs.
Identifiers: ClinVar variation 1325492 (VCV001325492.2), dbSNP rs2141294789, ClinGen allele CA2573150840.